The following is an entry in ClinVar:

ClinVar aggregate classification (germline): Likely benign (1 of 4 stars; one submission).

Allele frequency attached by ClinVar (database versions not stated): TOPMed below 0.00001 and 0.00001; gnomAD 0.00001.
gnomAD v4.1: 1 of 1,599,012 alleles (0.000063%); highest among the groups gnomAD compares: African/African-American, 0.0013%; no homozygotes.

Submission:

GeneDx
Classification: Likely benign. Last evaluated: 2015-12-27. Review status: criteria provided, single submitter. Criteria: GeneDx Variant Classification (06012015). Collection method: clinical testing. Allele origin: germline. Affected: yes.
Comment: This variant is considered likely benign or benign based on one or more of the following criteria: it is a conservative change, it occurs at a poorly conserved position in the protein, it is predicted to be benign by multiple in silico algorithms, and/or has population frequency not consistent with disease.

NM_004655.4(AXIN2):c.-21A>C

Gene: AXIN2 (axin 2; minus strand). Cytogenetic location: 17q24.1.
Variant type: single nucleotide variant.
Coding change: c.-21A>C on transcript NM_004655.4 (MANE Select); 21 bases upstream of the start codon, A replaced by C.
Molecular consequence: 5 prime UTR variant.
Genome position (GRCh38, 1-based): chr17:65,558,641, T>G on the plus strand (A>C on the coding strand, the complement: AXIN2 is on the minus strand). VCF-style: chr17-65558641-T-G. GRCh37 (hg19) VCF-style: chr17-63554759-T-G.
Other names: c.-21A>C (NM_001363813.1, LRG_296t1).
Identifiers: ClinVar variation 382702 (VCV000382702.1), dbSNP rs1057521426, ClinGen allele CA16607839.